The following is an entry in ClinVar:

NM_206933.4(USH2A):c.13133C>T (p.Pro4378Leu)

Gene: USH2A (usherin; minus strand). Cytogenetic location: 1q41.
Variant type: single nucleotide variant.
Coding change: c.13133C>T on transcript NM_206933.4 (MANE Select); coding-DNA position 13133, C replaced by T.
Protein change: p.Pro4378Leu; replaces proline 4378 with leucine.
Molecular consequence: missense variant.
Genome position (GRCh38, 1-based): chr1:215,674,778, G>A on the plus strand (C>T on the coding strand, the complement: USH2A is on the minus strand). VCF-style: chr1-215674778-G-A. GRCh37 (hg19) VCF-style: chr1-215848120-G-A.
Other names: short protein forms P4378L.
Identifiers: ClinVar variation 841656 (VCV000841656.19), dbSNP rs570277510, ClinGen allele CA1393345.

ClinVar aggregate classification (germline): Conflicting classifications of pathogenicity. Review status: criteria provided, conflicting classifications (1 of 4 stars). 8 submissions from 8 submitters: Likely pathogenic (3); Uncertain significance (4). 1 of the submissions does not count toward it. Last evaluated 2026-02-10.

Conditions:
Retinitis pigmentosa 39 (RP39). Identifiers: Orphanet 791, MedGen C3151138, MONDO:0013436, OMIM 613809.
Usher syndrome type 2A. Also called: USHER SYNDROME, TYPE IIA; RETINAL DISEASE IN USHER SYNDROME TYPE IIA, MODIFIER OF. Identifiers: Orphanet 231178, Orphanet 886, MedGen C1848634, MONDO:0010169, OMIM 276901.
USH2A-related disorder. Also called: USH2A-related condition; USH2A-related disorders. Identifiers: MedGen CN239332.
Inborn genetic diseases. Identifiers: MedGen C0950123, MeSH D030342.

Allele frequency attached by ClinVar (database versions not stated): gnomAD exomes 0.00002 and 0.00006; ExAC 0.00009; TOPMed 0.00025; gnomAD 0.00026 and 0.00027; 1000 Genomes Project 30x 0.00078; 1000 Genomes Project 0.00080.
gnomAD v4.1: 66 of 1,614,100 alleles (0.0041%); highest among the groups gnomAD compares: African/African-American, 0.067%; no homozygotes.

Submissions (8):

PreventionGenetics, part of Exact Sciences
Classification: Uncertain significance for USH2A-related condition. Last evaluated: 2026-02-10. Review status: criteria provided, single submitter. Criteria: ACMG Guidelines, 2015. Collection method: clinical testing. Allele origin: germline.
Comment: The USH2A c.13133C>T variant is predicted to result in the amino acid substitution p.Pro4378Leu. To our knowledge, this variant has not been reported in the literature. This variant is reported in 0.068% of alleles in individuals of African descent in gnomAD, which may be too common to be a primary cause of disease. Although we suspect that this variant may benign, at this time, the clinical significance of this variant is uncertain due to the absence of conclusive functional and genetic evidence.

Labcorp Genetics (formerly Invitae), Labcorp
Classification: Likely pathogenic. Last evaluated: 2026-01-18. Review status: criteria provided, single submitter. Criteria: Invitae Variant Classification Sherloc (09022015). Collection method: clinical testing. Allele origin: germline.
Comment: This sequence change replaces proline, which is neutral and non-polar, with leucine, which is neutral and non-polar, at codon 4378 of the USH2A protein (p.Pro4378Leu). This variant is present in population databases (rs570277510, gnomAD 0.07%). This missense change has been observed in individuals with clinical features of retinitis pigmentosa (internal data). ClinVar contains an entry for this variant (Variation ID: 841656). Invitae Evidence Modeling of protein sequence and biophysical properties (such as structural, functional, and spatial information, amino acid conservation, physicochemical variation, residue mobility, and thermodynamic stability) has been performed for this missense variant. However, the output from this modeling did not meet the statistical confidence thresholds required to predict the impact of this variant on USH2A protein function. In summary, the currently available evidence indicates that the variant is pathogenic, but additional data are needed to prove that conclusively. Therefore, this variant has been classified as Likely Pathogenic.

Ambry Genetics
Classification: Uncertain significance for Inborn genetic diseases. Last evaluated: 2025-11-23. Review status: criteria provided, single submitter. Criteria: Ambry Variant Classification Scheme 2023. Collection method: clinical testing. Allele origin: germline.

Blueprint Genetics
Classification: Likely pathogenic for USH2A-related disorders. Last evaluated: 2024-09-06. Review status: criteria provided, single submitter. Criteria: ACMG Guidelines, 2015. Collection method: clinical testing. Allele origin: germline. Affected: yes. Observed: 5 variant alleles.

Fulgent Genetics
Classification: Likely pathogenic for Usher syndrome type 2A; Retinitis pigmentosa 39. Last evaluated: 2024-03-07. Review status: criteria provided, single submitter. Criteria: ACMG Guidelines, 2015. Collection method: clinical testing. Allele origin: germline.

GeneDx
Classification: Uncertain significance. Last evaluated: 2023-02-22. Review status: criteria provided, single submitter. Criteria: GeneDx Variant Classification Process June 2021. Collection method: clinical testing. Allele origin: germline. Affected: yes.
Comment: Identified in a patient with hearing loss who was also heterozygous for an USH2A variant on the same allele (in cis) and two PCDH15 variants that were also on the same allele (in cis) with each other in published literature (Van Heurck et al., 2021); In silico analysis supports that this missense variant has a deleterious effect on protein structure/function; This variant is associated with the following publications: (PMID: 34440452)

Center of Genomic medicine, Geneva, University Hospital of Geneva
Classification: Uncertain significance for Usher syndrome type 2A; Retinitis pigmentosa 39. Last evaluated: 2019-10-08. Review status: criteria provided, single submitter. Criteria: ACMG Guidelines, 2015. Collection method: clinical testing. Allele origin: maternal. Affected: yes. Observed: 1 variant allele.

Natera, Inc.
Classification: Uncertain significance for Usher syndrome type 2A. Last evaluated: 2019-11-06. Review status: no assertion criteria provided. Collection method: clinical testing. Allele origin: germline. Not counted in ClinVar's aggregate classification.